The following is an entry in ClinVar:

NM_005560.6(LAMA5):c.4368G>C (p.Gln1456His)

Gene: LAMA5 (laminin subunit alpha 5; minus strand). Cytogenetic location: 20q13.33.
Variant type: single nucleotide variant.
Coding change: c.4368G>C on transcript NM_005560.6 (MANE Select); coding-DNA position 4368, G replaced by C.
Protein change: p.Gln1456His; replaces glutamine 1456 with histidine.
Molecular consequence: missense variant.
Genome position (GRCh38, 1-based): chr20:62,328,923, C>G on the plus strand (G>C on the coding strand, the complement: LAMA5 is on the minus strand). VCF-style: chr20-62328923-C-G. GRCh37 (hg19) VCF-style: chr20-60903979-C-G.
Other names: short protein forms Q1456H.
Identifiers: ClinVar variation 4071619 (VCV004071619.1).

ClinVar aggregate classification (germline): Uncertain significance (1 of 4 stars; one submission).

gnomAD v4.1: 4 of 1,611,610 alleles (0.00025%); highest among the groups gnomAD compares: Non-Finnish European, 0.00034%; no homozygotes.

Submission:

GeneDx
Classification: Uncertain significance. Last evaluated: 2025-01-22. Review status: criteria provided, single submitter. Criteria: GeneDx Variant Classification Process June 2021. Collection method: clinical testing. Allele origin: germline. Affected: yes.
Comment: Not observed at significant frequency in large population cohorts (gnomAD); In silico analysis supports that this missense variant has a deleterious effect on protein structure/function; Has not been previously published as pathogenic or benign to our knowledge